The following is an entry in ClinVar:

ClinVar aggregate classification (germline): Uncertain significance (1 of 4 stars; one submission).

Submission:

Labcorp Genetics (formerly Invitae), Labcorp
Classification: Uncertain significance. Last evaluated: 2020-03-08. Review status: criteria provided, single submitter. Criteria: Invitae Variant Classification Sherloc (09022015). Collection method: clinical testing. Allele origin: germline.
Comment: In summary, the available evidence is currently insufficient to determine the role of this variant in disease. Therefore, it has been classified as a Variant of Uncertain Significance. Experimental studies and prediction algorithms are not available or were not evaluated, and the functional significance of this variant is currently unknown. This variant has not been reported in the literature in individuals with COL2A1-related conditions. This variant is not present in population databases (ExAC no frequency). This sequence change replaces aspartic acid with alanine at codon 1364 of the COL2A1 protein (p.Asp1364Ala). The aspartic acid residue is moderately conserved and there is a moderate physicochemical difference between aspartic acid and alanine.

NM_001844.5(COL2A1):c.4091A>C (p.Asp1364Ala)

Gene: COL2A1 (collagen type II alpha 1 chain; minus strand). Cytogenetic location: 12q13.11.
Variant type: single nucleotide variant.
Coding change: c.4091A>C on transcript NM_001844.5 (MANE Select); coding-DNA position 4091, A replaced by C.
Protein change: p.Asp1364Ala; replaces aspartic acid 1364 with alanine.
Molecular consequence: missense variant.
Genome position (GRCh38, 1-based): chr12:47,974,315, T>G on the plus strand (A>C on the coding strand, the complement: COL2A1 is on the minus strand). VCF-style: chr12-47974315-T-G. GRCh37 (hg19) VCF-style: chr12-48368098-T-G.
Other names: c.3884A>C, p.Asp1295Ala (NM_033150.3); short protein forms D1295A, D1364A.
Identifiers: ClinVar variation 1051996 (VCV001051996.9), dbSNP rs2136506322, ClinGen allele CA384533946.
Genomic context (GRCh38, chr12:47,974,315, plus strand): 5'-TCCGTGGACAGCAGGCGTAGGAAGGTCATCTGGACGTTGGCAGTGTTGGGAGCCAGATTG[T>G]CATCTCCATAGCTGAACTGTTGGGGCAGAGAGCGGCAGTGTGAGGCCTGGGAGCTGGCAT-3'
Protein context (NP_001835.3, residues 1354-1374): NGGFHFSYGD[Asp1364Ala]NLAPNTANVQ